The following is an entry in ClinVar:

NM_005996.4(TBX3):c.1969C>G (p.Leu657Val)

Gene: TBX3 (T-box transcription factor 3; minus strand). Cytogenetic location: 12q24.21.
Variant type: single nucleotide variant.
Coding change: c.1969C>G on transcript NM_005996.4 (MANE Select); coding-DNA position 1969, C replaced by G.
Protein change: p.Leu657Val; replaces leucine 657 with valine.
Molecular consequence: missense variant.
Genome position (GRCh38, 1-based): chr12:114,672,044, G>C on the plus strand (C>G on the coding strand, the complement: TBX3 is on the minus strand). VCF-style: chr12-114672044-G-C. GRCh37 (hg19) VCF-style: chr12-115109849-G-C.
Other names: c.2029C>G, p.Leu677Val (NM_016569.4); short protein forms L657V, L677V.
Identifiers: ClinVar variation 2827680 (VCV002827680.3), dbSNP rs1361184425, ClinGen allele CA386867822.

ClinVar aggregate classification (germline): Uncertain significance (1 of 4 stars; one submission).

Conditions:
Ulnar-mammary syndrome (UMS). Also called: PALLISTER ULNAR-MAMMARY SYNDROME; Ulnar-mammary syndrome of Pallister; SCHINZEL SYNDROME. Identifiers: Orphanet 3138, MedGen C1866994, MONDO:0008411, OMIM 181450.

Submission:

Labcorp Genetics (formerly Invitae), Labcorp
Classification: Uncertain significance for Ulnar-mammary syndrome. Last evaluated: 2023-06-13. Review status: criteria provided, single submitter. Criteria: Invitae Variant Classification Sherloc (09022015). Collection method: clinical testing. Allele origin: germline.
Comment: This sequence change replaces leucine, which is neutral and non-polar, with valine, which is neutral and non-polar, at codon 657 of the TBX3 protein (p.Leu657Val). This variant is not present in population databases (gnomAD no frequency). This variant has not been reported in the literature in individuals affected with TBX3-related conditions. An algorithm developed to predict the effect of missense changes on protein structure and function (PolyPhen-2) suggests that this variant is likely to be tolerated. In summary, the available evidence is currently insufficient to determine the role of this variant in disease. Therefore, it has been classified as a Variant of Uncertain Significance.